The following is an entry in ClinVar:

ClinVar aggregate classification (germline): Uncertain significance (1 of 4 stars; one submission).

Submission:

Ambry Genetics
Classification: Uncertain significance. Last evaluated: 2023-09-21. Review status: criteria provided, single submitter. Criteria: Ambry Variant Classification Scheme 2023. Collection method: clinical testing. Allele origin: germline.
Comment: The p.K91E variant (also known as c.271A>G), located in coding exon 2 of the MNDA gene, results from an A to G substitution at nucleotide position 271. The lysine at codon 91 is replaced by glutamic acid, an amino acid with similar properties. This amino acid position is conserved. In addition, this alteration is predicted to be tolerated by in silico analysis. Since supporting evidence is limited at this time, the clinical significance of this alteration remains unclear.

NM_002432.3(MNDA):c.271A>G (p.Lys91Glu)

Gene: MNDA (myeloid cell nuclear differentiation antigen; plus strand). Cytogenetic location: 1q23.1.
Variant type: single nucleotide variant.
Coding change: c.271A>G on transcript NM_002432.3 (MANE Select); coding-DNA position 271, A replaced by G.
Protein change: p.Lys91Glu; replaces lysine 91 with glutamic acid.
Molecular consequence: missense variant.
Genome position (GRCh38, 1-based): chr1:158,843,284, A>G. VCF-style: chr1-158843284-A-G. GRCh37 (hg19) VCF-style: chr1-158813074-A-G.
Other names: short protein forms K91E.
Identifiers: ClinVar variation 3222182 (VCV003222182.1), dbSNP rs2526078905, ClinGen allele CA343038417.